The following is an entry in ClinVar:

ClinVar aggregate classification (germline): Uncertain significance (1 of 4 stars; one submission).

Conditions:
Long QT syndrome (LQTS). Identifiers: MedGen C0023976, MeSH D008133, MONDO:0002442. Disease mechanism: loss of function. Inheritance: Various modes of inheritance.

Submission:

Labcorp Genetics (formerly Invitae), Labcorp
Classification: Uncertain significance for Long QT syndrome. Last evaluated: 2023-04-18. Review status: criteria provided, single submitter. Criteria: Invitae Variant Classification Sherloc (09022015). Collection method: clinical testing. Allele origin: germline.
Comment: An algorithm developed to predict the effect of missense changes on protein structure and function (PolyPhen-2) suggests that this variant is likely to be tolerated. In summary, the available evidence is currently insufficient to determine the role of this variant in disease. Therefore, it has been classified as a Variant of Uncertain Significance. This variant has not been reported in the literature in individuals affected with AKAP9-related conditions. This variant is not present in population databases (gnomAD no frequency). This sequence change replaces asparagine, which is neutral and polar, with histidine, which is basic and polar, at codon 2365 of the AKAP9 protein (p.Asn2365His).

NM_005751.5(AKAP9):c.7093A>C (p.Asn2365His)

Gene: AKAP9 (A-kinase anchoring protein 9; plus strand). Cytogenetic location: 7q21.2.
Variant type: single nucleotide variant.
Coding change: c.7093A>C on transcript NM_005751.5 (MANE Select); coding-DNA position 7093, A replaced by C.
Protein change: p.Asn2365His; replaces asparagine 2365 with histidine.
Molecular consequence: missense variant.
Genome position (GRCh38, 1-based): chr7:92,079,226, A>C. VCF-style: chr7-92079226-A-C. GRCh37 (hg19) VCF-style: chr7-91708540-A-C.
Other names: c.1738A>C, p.Asn580His (NM_001379277.1); c.7069A>C, p.Asn2357His (NM_147185.3); short protein forms N2357H, N580H, N2365H.
Identifiers: ClinVar variation 2854958 (VCV002854958.3), dbSNP rs1813112031, ClinGen allele CA368134954.